The following is an entry in ClinVar:

ClinVar aggregate classification (germline): Uncertain significance (1 of 4 stars; one submission).

Conditions:
Familial episodic pain syndrome with predominantly lower limb involvement. Also called: Episodic pain syndrome, familial, 3. Identifiers: Orphanet 391384, Orphanet 391392, MedGen C3809899, MONDO:0014247, OMIM 615552.
Hereditary sensory and autonomic neuropathy type 7. Also called: Neuropathy, hereditary sensory and autonomic, type VII; HSAN VII. Identifiers: Orphanet 391397, MedGen C3809882, MONDO:0014244, OMIM 615548.

gnomAD v4.1: 7 of 1,613,950 alleles (0.00043%); highest among the groups gnomAD compares: South Asian, 0.0033%; no homozygotes.

Submission:

Labcorp Genetics (formerly Invitae), Labcorp
Classification: Uncertain significance for Familial episodic pain syndrome with predominantly lower limb involvement; Hereditary sensory and autonomic neuropathy type 7. Last evaluated: 2025-04-06. Review status: criteria provided, single submitter. Criteria: Invitae Variant Classification Sherloc (09022015). Collection method: clinical testing. Allele origin: germline.
Comment: This sequence change replaces asparagine, which is neutral and polar, with lysine, which is basic and polar, at codon 1044 of the SCN11A protein (p.Asn1044Lys). This variant is present in population databases (no rsID available, gnomAD 0.0009%). This variant has not been reported in the literature in individuals affected with SCN11A-related conditions. ClinVar contains an entry for this variant (Variation ID: 655047). Invitae Evidence Modeling of protein sequence and biophysical properties (such as structural, functional, and spatial information, amino acid conservation, physicochemical variation, residue mobility, and thermodynamic stability) indicates that this missense variant is not expected to disrupt SCN11A protein function with a negative predictive value of 80%. In summary, the available evidence is currently insufficient to determine the role of this variant in disease. Therefore, it has been classified as a Variant of Uncertain Significance.

NM_001349253.2(SCN11A):c.3132C>A (p.Asn1044Lys)

Gene: SCN11A (sodium voltage-gated channel alpha subunit 11; minus strand). Cytogenetic location: 3p22.2.
Variant type: single nucleotide variant.
Coding change: c.3132C>A on transcript NM_001349253.2 (MANE Select); coding-DNA position 3132, C replaced by A.
Protein change: p.Asn1044Lys; replaces asparagine 1044 with lysine.
Molecular consequence: missense variant.
Genome position (GRCh38, 1-based): chr3:38,883,320, G>T on the plus strand (C>A on the coding strand, the complement: SCN11A is on the minus strand). VCF-style: chr3-38883320-G-T. GRCh37 (hg19) VCF-style: chr3-38924811-G-T.
Other names: c.3132C>A, p.Asn1044Lys (NM_014139.3); short protein forms N1044K.
Identifiers: ClinVar variation 655047 (VCV000655047.5), dbSNP rs35693485, ClinGen allele CA352173099.